The following is an entry in ClinVar:

NM_001457.4(FLNB):c.6904G>A (p.Val2302Ile)

Gene: FLNB (filamin B; plus strand). Cytogenetic location: 3p14.3.
Variant type: single nucleotide variant.
Coding change: c.6904G>A on transcript NM_001457.4 (MANE Select); coding-DNA position 6904, G replaced by A.
Protein change: p.Val2302Ile; replaces valine 2302 with isoleucine.
Molecular consequence: missense variant.
Genome position (GRCh38, 1-based): chr3:58,159,569, G>A. VCF-style: chr3-58159569-G-A. GRCh37 (hg19) VCF-style: chr3-58145296-G-A.
Other names: c.6997G>A, p.Val2333Ile (NM_001164317.2); c.6871G>A, p.Val2291Ile (NM_001164318.2); c.6832G>A, p.Val2278Ile (NM_001164319.2); short protein forms V2278I, V2291I, V2302I, V2333I.
Identifiers: ClinVar variation 1331333 (VCV001331333.2), dbSNP rs2107307756, ClinGen allele CA353363558.

ClinVar aggregate classification (germline): Uncertain significance (1 of 4 stars; one submission).

Submission:

GeneDx
Classification: Uncertain significance. Last evaluated: 2021-06-28. Review status: criteria provided, single submitter. Criteria: GeneDx Variant Classification Process June 2021. Collection method: clinical testing. Allele origin: germline. Affected: yes.
Comment: Not observed at significant frequency in large population cohorts (Lek et al., 2016); In silico analysis supports that this missense variant does not alter protein structure/function; Has not been previously published as pathogenic or benign to our knowledge; This variant is associated with the following publications: (PMID: 27535533)